The following is an entry in ClinVar:

ClinVar aggregate classification (germline): Uncertain significance. Review status: criteria provided, multiple submitters, no conflicts (2 of 4 stars). 2 submissions from 2 submitters: Uncertain significance (2). Last evaluated 2024-11-10.

Conditions:
Long QT syndrome (LQTS). Identifiers: MedGen C0023976, MeSH D008133, MONDO:0002442. Disease mechanism: loss of function. Inheritance: Various modes of inheritance.

gnomAD v4.1: 8 of 1,614,020 alleles (0.0005%); highest among the groups gnomAD compares: East Asian, 0.0045%; no homozygotes.

Submissions (2):

Labcorp Genetics (formerly Invitae), Labcorp
Classification: Uncertain significance for Long QT syndrome. Last evaluated: 2024-11-10. Review status: criteria provided, single submitter. Criteria: Invitae Variant Classification Sherloc (09022015). Collection method: clinical testing. Allele origin: germline.
Comment: This sequence change replaces arginine, which is basic and polar, with cysteine, which is neutral and slightly polar, at codon 1062 of the ANK2 protein (p.Arg1062Cys). This variant is present in population databases (rs147934418, gnomAD 0.006%). This variant has not been reported in the literature in individuals affected with ANK2-related conditions. An algorithm developed to predict the effect of missense changes on protein structure and function (PolyPhen-2) suggests that this variant is likely to be disruptive. In summary, the available evidence is currently insufficient to determine the role of this variant in disease. Therefore, it has been classified as a Variant of Uncertain Significance.

Blueprint Genetics
Classification: Uncertain significance. Last evaluated: 2023-06-06. Review status: criteria provided, single submitter. Criteria: ACMG Guidelines, 2015. Collection method: clinical testing. Allele origin: germline.

NM_001148.6(ANK2):c.3184C>T (p.Arg1062Cys)

Gene: ANK2 (ankyrin 2; plus strand). Cytogenetic location: 4q26.
Variant type: single nucleotide variant.
Coding change: c.3184C>T on transcript NM_001148.6 (MANE Select); coding-DNA position 3184, C replaced by T.
Protein change: p.Arg1062Cys; replaces arginine 1062 with cysteine.
Molecular consequence: missense variant. On other transcripts: intron variant (42).
Genome position (GRCh38, 1-based): chr4:113,332,030, C>T. VCF-style: chr4-113332030-C-T. GRCh37 (hg19) VCF-style: chr4-114253186-C-T.
Other names: c.3157C>T, p.Arg1053Cys (NM_001127493.3); c.3196C>T, p.Arg1066Cys (NM_001354225.2); c.3226C>T, p.Arg1076Cys (NM_001354231.2, NM_001354242.2); c.3220C>T, p.Arg1074Cys (NM_001354232.2); c.3181C>T, p.Arg1061Cys (NM_001354235.2, NM_001354246.2, NM_001354265.2); c.3262C>T, p.Arg1088Cys (NM_001354237.2); c.3154C>T, p.Arg1052Cys (NM_001354239.2, NM_001354252.2); c.3229C>T, p.Arg1077Cys (NM_001354240.2, NM_001354241.2, NM_001386144.1); and 28 more; short protein forms R1052C, R1062C, R1109C, R991C, R1041C, R1045C, R1053C, R1066C.
Identifiers: ClinVar variation 3672909 (VCV003672909.3).
Genomic context (GRCh38, chr4:113,332,030, plus strand): 5'-AGTAAACTTCACCTGCCAACGGCTCCTCCCCCACTTAATGAGGGAGAAAGTTTGGTCAGC[C>T]GCATTCTTCAGCTGGGGCCTCCTGGAACCAAATTCCTTGGGTAGGAGTGACTTAAAACAA-3'
Protein context (NP_001139.3, residues 1052-1072): PLNEGESLVS[Arg1062Cys]ILQLGPPGTK